The following is an entry in ClinVar:

ClinVar aggregate classification (germline): Uncertain significance (1 of 4 stars; one submission).

Conditions:
Acromesomelic dysplasia 1, Maroteaux type (AMD1). Also called: ST. HELENA DYSPLASIA; ACROMESOMELIC DYSPLASIA 1. Identifiers: Orphanet 40, MedGen C1864356, MONDO:0011275, OMIM 602875.
Tall stature-scoliosis-macrodactyly of the great toes syndrome. Also called: Epiphyseal chondrodysplasia, miura type. Identifiers: Orphanet 329191, MedGen C4014690, MONDO:0014401, OMIM 615923.

gnomAD v4.1: 7 of 1,614,068 alleles (0.00043%); highest among the groups gnomAD compares: Non-Finnish European, 0.00059%; no homozygotes.

Submission:

Labcorp Genetics (formerly Invitae), Labcorp
Classification: Uncertain significance for Tall stature-scoliosis-macrodactyly of the great toes syndrome; Acromesomelic dysplasia 1, Maroteaux type. Last evaluated: 2025-06-17. Review status: criteria provided, single submitter. Criteria: Invitae Variant Classification Sherloc (09022015). Collection method: clinical testing. Allele origin: germline.
Comment: This sequence change replaces alanine, which is neutral and non-polar, with valine, which is neutral and non-polar, at codon 911 of the NPR2 protein (p.Ala911Val). This variant is present in population databases (no rsID available, gnomAD 0.0009%). This variant has not been reported in the literature in individuals affected with NPR2-related conditions. Invitae Evidence Modeling of protein sequence and biophysical properties (such as structural, functional, and spatial information, amino acid conservation, physicochemical variation, residue mobility, and thermodynamic stability) indicates that this missense variant is expected to disrupt NPR2 protein function with a positive predictive value of 80%. In summary, the available evidence is currently insufficient to determine the role of this variant in disease. Therefore, it has been classified as a Variant of Uncertain Significance.

NM_003995.4(NPR2):c.2732C>T (p.Ala911Val)

Genes: NPR2 (natriuretic peptide receptor 2; plus strand), SPAG8 (sperm associated antigen 8; minus strand). Cytogenetic location: 9p13.3.
Variant type: single nucleotide variant.
Coding change: c.2732C>T on transcript NM_003995.4 (MANE Select); coding-DNA position 2732, C replaced by T.
Protein change: p.Ala911Val; replaces alanine 911 with valine.
Molecular consequence: missense variant. On other transcripts: intron variant (2).
Genome position (GRCh38, 1-based): chr9:35,808,528, C>T. VCF-style: chr9-35808528-C-T. GRCh37 (hg19) VCF-style: chr9-35808525-C-T.
Other names: c.2741C>T, p.Ala914Val (NM_001378923.1); c.1201-222G>A (NM_001366760.2); c.1373-222G>A (NM_172312.2); short protein forms A911V, A914V.
Identifiers: ClinVar variation 4794423 (VCV004794423.1).
Genomic context (GRCh38, chr9:35,808,528, plus strand): 5'-GATATAAATAGAGGTGACCTTTTAATCCCCCTCTCAATCAGGTGGAGACGATTGGGGATG[C>T]TTACATGGTGGTATCTGGCCTCCCAGGCCGAAATGGTCAACGCCATGCACCAGAAATTGC-3'
Protein context (NP_003986.2, residues 901-921): DVYKVETIGD[Ala911Val]YMVVSGLPGR